The following is an entry in ClinVar:

NM_005477.3(HCN4):c.2902C>T (p.Pro968Ser)

Gene: HCN4 (hyperpolarization activated cyclic nucleotide gated potassium channel 4; minus strand). Cytogenetic location: 15q24.1.
Variant type: single nucleotide variant.
Coding change: c.2902C>T on transcript NM_005477.3 (MANE Select); coding-DNA position 2902, C replaced by T.
Protein change: p.Pro968Ser; replaces proline 968 with serine.
Molecular consequence: missense variant.
Genome position (GRCh38, 1-based): chr15:73,323,191, G>A on the plus strand (C>T on the coding strand, the complement: HCN4 is on the minus strand). VCF-style: chr15-73323191-G-A. GRCh37 (hg19) VCF-style: chr15-73615532-G-A.
Other names: c.2902C>T (NM_005477.2); short protein forms P968S.
Identifiers: ClinVar variation 1055413 (VCV001055413.9), dbSNP rs759692338, ClinGen allele CA7648932.

ClinVar aggregate classification (germline): Uncertain significance. Review status: criteria provided, multiple submitters, no conflicts (2 of 4 stars). 3 submissions from 3 submitters: Uncertain significance (3). Last evaluated 2025-12-08.

Conditions:
Epilepsy, idiopathic generalized, susceptibility to, 18. Identifiers: MedGen C5561983, MONDO:0030434, OMIM 619521.
Sick sinus syndrome 2, autosomal dominant (SSS2). Also called: ATRIAL FIBRILLATION WITH BRADYARRHYTHMIA; SINUS BRADYCARDIA SYNDROME, FAMILIAL, AUTOSOMAL DOMINANT; SINUS NODE DISEASE, FAMILIAL, AUTOSOMAL DOMINANT; SICK SINUS SYNDROME 2; SICK SINUS SYNDROME 2 WITH OR WITHOUT CARDIAC NONCOMPACTION AND/OR ASCENDING AORTA DILATION. Identifiers: Orphanet 166282, MedGen C1834144, MONDO:0008102, OMIM 163800.
Brugada syndrome 8 (BRGDA8). Identifiers: Orphanet 130, MedGen C2751083, MONDO:0013148, OMIM 613123.

Allele frequency attached by ClinVar (database versions not stated): gnomAD exomes 0.00001; TOPMed 0.00001; ExAC 0.00002.
gnomAD v4.1: 14 of 1,545,682 alleles (0.00091%); highest among the groups gnomAD compares: Non-Finnish European, 0.0012%; no homozygotes.

Submissions (3):

Labcorp Genetics (formerly Invitae), Labcorp
Classification: Uncertain significance for Brugada syndrome 8. Last evaluated: 2025-12-08. Review status: criteria provided, single submitter. Criteria: Invitae Variant Classification Sherloc (09022015). Collection method: clinical testing. Allele origin: germline.
Comment: This sequence change replaces proline, which is neutral and non-polar, with serine, which is neutral and polar, at codon 968 of the HCN4 protein (p.Pro968Ser). The frequency data for this variant in the population databases is considered unreliable, as metrics indicate poor data quality at this position in the gnomAD database. This variant has not been reported in the literature in individuals affected with HCN4-related conditions. ClinVar contains an entry for this variant (Variation ID: 1055413). Invitae Evidence Modeling of protein sequence and biophysical properties (such as structural, functional, and spatial information, amino acid conservation, physicochemical variation, residue mobility, and thermodynamic stability) indicates that this missense variant is not expected to disrupt HCN4 protein function with a negative predictive value of 95%. In summary, the available evidence is currently insufficient to determine the role of this variant in disease. Therefore, it has been classified as a Variant of Uncertain Significance.

GeneDx
Classification: Uncertain significance. Last evaluated: 2023-12-11. Review status: criteria provided, single submitter. Criteria: GeneDx Variant Classification Process June 2021. Collection method: clinical testing. Allele origin: germline. Affected: yes.
Comment: Has not been previously published as pathogenic or benign to our knowledge; Not observed at significant frequency in large population cohorts (gnomAD); In silico analysis supports that this missense variant does not alter protein structure/function

Fulgent Genetics
Classification: Uncertain significance for Sick sinus syndrome 2, autosomal dominant; Brugada syndrome 8; Epilepsy, idiopathic generalized, susceptibility to, 18. Last evaluated: 2021-09-07. Review status: criteria provided, single submitter. Criteria: ACMG Guidelines, 2015. Collection method: clinical testing. Allele origin: unknown.